The following is an entry in ClinVar:

NM_018972.4(GDAP1):c.653A>C (p.Gln218Pro)

Gene: GDAP1 (ganglioside induced differentiation associated protein 1; plus strand). Cytogenetic location: 8q21.11.
Variant type: single nucleotide variant.
Coding change: c.653A>C on transcript NM_018972.4 (MANE Select); coding-DNA position 653, A replaced by C.
Protein change: p.Gln218Pro; replaces glutamine 218 with proline.
Molecular consequence: missense variant.
Genome position (GRCh38, 1-based): chr8:74,363,012, A>C. VCF-style: chr8-74363012-A-C. GRCh37 (hg19) VCF-style: chr8-75275247-A-C.
Other names: c.449A>C, p.Gln150Pro (NM_001040875.4); c.326A>C, p.Gln109Pro (NM_001362929.2, NM_001362932.2); c.479A>C, p.Gln160Pro (NM_001362930.2); c.653A>C, p.Gln218Pro (NM_001362931.2); short protein forms Q109P, Q150P, Q160P, Q218P.
Identifiers: ClinVar variation 1676258 (VCV001676258.5), dbSNP rs556827873, ClinGen allele CA371549615.
Genomic context (GRCh38, chr8:74,363,012, plus strand): 5'-ATCATGACAATGTCAAGTATTTGAAGAAAATTCTTGATGAGTTGGAGAAAGTCTTGGATC[A>C]GGTTGAAACTGAATTGCAAAGAAGAAATGAAGAAACCCCAGGTAGGTTCTCATTTATATT-3'
Protein context (NP_061845.2, residues 208-228): ILDELEKVLD[Gln218Pro]VETELQRRNE

ClinVar aggregate classification (germline): Uncertain significance. Review status: criteria provided, multiple submitters, no conflicts (2 of 4 stars). 3 submissions from 3 submitters: Uncertain significance (3). Last evaluated 2025-04-02.

Conditions:
Charcot-Marie-Tooth disease type 4A. Also called: Charcot-Marie-Tooth disease, demyelinating, autosomal recessive, type 4a. Identifiers: Orphanet 99948, MedGen C1859198, MONDO:0008961, OMIM 214400.

gnomAD v4.1: 1 of 1,580,360 alleles (0.000063%); no homozygotes.

Submissions (3):

Women's Health and Genetics/Laboratory Corporation of America, LabCorp
Classification: Uncertain significance. Last evaluated: 2025-04-02. Review status: criteria provided, single submitter. Criteria: LabCorp Variant Classification Summary - May 2015. Collection method: clinical testing. Allele origin: germline.

GeneDx
Classification: Uncertain significance. Last evaluated: 2023-08-07. Review status: criteria provided, single submitter. Criteria: GeneDx Variant Classification Process June 2021. Collection method: clinical testing. Allele origin: germline. Affected: yes.
Comment: Not observed at significant frequency in large population cohorts (gnomAD); In silico analysis supports that this missense variant has a deleterious effect on protein structure/function; Has not been previously published as pathogenic or benign to our knowledge; This variant is associated with the following publications: (PMID: 20685671, 20849849, 23628762, 18231710, 26525999, 33477664)

Molecular Genetics, Royal Melbourne Hospital
Classification: Uncertain significance for Charcot-Marie-Tooth disease type 4A. Last evaluated: 2023-03-30. Review status: criteria provided, single submitter. Criteria: ACMG Guidelines, 2015. Collection method: clinical testing. Allele origin: germline. Affected: yes.
Comment: This sequence change is predicted to replace glutamine with proline at codon 218 of the GDAP1 protein (p.(Gln218Pro)). The glutamine residue is evolutionarily conserved (100 vertebrates, UCSC), and is located in the C-terminal glutathione S-transferase domain. There is a moderate physicochemical difference between glutamine and proline. The variant is absent in a large population cohort (gnomAD v2.1 and v3.1), and has not been reported in the relevant medical literature or databases. Multiple lines of computational evidence predict a deleterious effect for the missense substitution (5/6 algorithms). A different pathogenic missense variant at this position with a smaller physicochemical difference (p.Gln218Asp) has been shown to cause autosomal dominant Charcot-Marie-Tooth disease (PMID: 18231710, 26525999, 33477664). Based on the classification scheme RMH Modified ACMG Guidelines v1.4.0, this variant is classified as a VARIANT OF UNCERTAIN SIGNIFICANCE. Following criteria are met: PM5, PM2_Supporting, PP3.

Literature cited by the submitters: PubMed 18231710 (cited by Molecular Genetics, Royal Melbourne Hospital); PubMed 26525999 (cited by Molecular Genetics, Royal Melbourne Hospital); PubMed 33477664 (cited by Molecular Genetics, Royal Melbourne Hospital).